The following is an entry in ClinVar:

NM_001148.6(ANK2):c.5470T>C (p.Ser1824Pro)

Genes: ANK2 (ankyrin 2; plus strand), LOC126807136 (MED14-independent group 3 enhancer GRCh37_chr4:114274931-114276130; plus strand). Cytogenetic location: 4q26.
Variant type: single nucleotide variant.
Coding change: c.5470T>C on transcript NM_001148.6 (MANE Select); coding-DNA position 5470, T replaced by C.
Protein change: p.Ser1824Pro; replaces serine 1824 with proline.
Molecular consequence: missense variant. On other transcripts: intron variant (68).
Genome position (GRCh38, 1-based): chr4:113,354,088, T>C. VCF-style: chr4-113354088-T-C. GRCh37 (hg19) VCF-style: chr4-114275244-T-C.
Other names: c.5470T>C (LRG_327t1); c.5236T>C, p.Ser1746Pro (NM_001386142.1); c.1870T>C, p.Ser624Pro (NM_001386166.1); c.5611T>C, p.Ser1871Pro (NM_001386174.1); c.5587T>C, p.Ser1863Pro (NM_001386175.1); c.4411+3839T>C (NM_001386186.2, NM_001386148.2); c.4213+3839T>C (NM_001354269.3); c.4291+3839T>C (NM_001386187.2); and 36 more; short protein forms S1824P, S1746P, S1863P, S1871P, S624P.
Identifiers: ClinVar variation 67608 (VCV000067608.4), dbSNP rs199473344, ClinGen allele CA218796.

ClinVar aggregate classification (germline): Uncertain significance. Review status: criteria provided, single submitter (1 of 4 stars). 2 submissions from 2 submitters: Uncertain significance (1). 1 of the submissions does not count toward it. Last evaluated 2025-11-21.

Conditions:
Long QT syndrome (LQTS). Identifiers: MedGen C0023976, MeSH D008133, MONDO:0002442. Disease mechanism: loss of function. Inheritance: Various modes of inheritance.

Allele frequency attached by ClinVar (database versions not stated): gnomAD exomes below 0.00001 and 0.00001; ExAC 0.00002.
gnomAD v4.1: 2 of 1,613,800 alleles (0.00012%); highest among the groups gnomAD compares: Admixed American, 0.0033%; no homozygotes.

Submissions (2):

Labcorp Genetics (formerly Invitae), Labcorp
Classification: Uncertain significance for Long QT syndrome. Last evaluated: 2025-11-21. Review status: criteria provided, single submitter. Criteria: Invitae Variant Classification Sherloc (09022015). Collection method: clinical testing. Allele origin: germline.
Comment: This sequence change replaces serine, which is neutral and polar, with proline, which is neutral and non-polar, at codon 1824 of the ANK2 protein (p.Ser1824Pro). This variant is present in population databases (rs199473344, gnomAD 0.006%). This variant has not been reported in the literature in individuals affected with ANK2-related conditions. ClinVar contains an entry for this variant (Variation ID: 67608). An algorithm developed to predict the effect of missense changes on protein structure and function (PolyPhen-2) suggests that this variant is likely to be tolerated. In summary, the available evidence is currently insufficient to determine the role of this variant in disease. Therefore, it has been classified as a Variant of Uncertain Significance.

Cardiovascular Biomedical Research Unit, Royal Brompton & Harefield NHS Foundation Trust
No classification provided. Review status: no classification provided. Collection method: literature only. Allele origin: germline. Not counted in ClinVar's aggregate classification.
Comment: This variant has been reported in the following publications (PMID:16253912).

Literature cited by the submitters: PubMed 16253912 (cited by Cardiovascular Biomedical Research Unit, Royal Brompton & Harefield NHS Foundation Trust); PubMed 22581653 (cited by Cardiovascular Biomedical Research Unit, Royal Brompton & Harefield NHS Foundation Trust).